The following is an entry in ClinVar:

ClinVar aggregate classification (germline): Likely benign. Review status: criteria provided, multiple submitters, no conflicts (2 of 4 stars). 4 submissions from 4 submitters: Likely benign (3). 1 of the submissions does not count toward it. Last evaluated 2024-11-01.

Conditions:
Early-infantile DEE. Also called: Ohtahara syndrome; Early infantile epileptic encephalopathy; Early infantile epileptic encephalopathy with suppression bursts. Identifiers: Orphanet 1934, MedGen C0393706, MONDO:0800491.
SPTAN1-related disorder. Also called: SPTAN1-related disorders; SPTAN1-related condition.
Inborn genetic diseases. Identifiers: MedGen C0950123, MeSH D030342.

Allele frequency attached by ClinVar (database versions not stated): gnomAD 0.00002; gnomAD exomes 0.00002 and 0.00006; ExAC 0.00013; 1000 Genomes Project 30x 0.00016; 1000 Genomes Project 0.00020.
gnomAD v4.1: 35 of 1,613,552 alleles (0.0022%); highest among the groups gnomAD compares: South Asian, 0.034%; no homozygotes.

Submissions (4):

CeGaT Center for Human Genetics Tuebingen
Classification: Likely benign. Last evaluated: 2024-11-01. Review status: criteria provided, single submitter. Criteria: CeGaT Center For Human Genetics Tuebingen Variant Classification Criteria Version 2. Collection method: clinical testing. Allele origin: germline. Affected: yes. Observed: 1 variant allele.
Comment: SPTAN1: BP4, BP7

Labcorp Genetics (formerly Invitae), Labcorp
Classification: Likely benign for Early-infantile DEE. Last evaluated: 2023-04-20. Review status: criteria provided, single submitter. Criteria: Invitae Variant Classification Sherloc (09022015). Collection method: clinical testing. Allele origin: germline.

Ambry Genetics
Classification: Likely benign for Inborn genetic diseases. Last evaluated: 2017-08-11. Review status: criteria provided, single submitter. Criteria: Ambry Variant Classification Scheme 2023. Collection method: clinical testing. Allele origin: germline.

PreventionGenetics, part of Exact Sciences
Classification: Likely benign for SPTAN1-related condition. Last evaluated: 2019-03-20. Review status: no assertion criteria provided. Collection method: clinical testing. Allele origin: germline. Not counted in ClinVar's aggregate classification.
Comment: This variant is classified as likely benign based on ACMG/AMP sequence variant interpretation guidelines (Richards et al. 2015 PMID: 25741868, with internal and published modifications).

NM_001130438.3(SPTAN1):c.5817A>G (p.Gln1939=)

Gene: SPTAN1 (spectrin alpha, non-erythrocytic 1; plus strand). Cytogenetic location: 9q34.11.
Variant type: single nucleotide variant.
Coding change: c.5817A>G on transcript NM_001130438.3 (MANE Select); coding-DNA position 5817, A replaced by G.
Protein change: p.Gln1939=; no amino-acid change (glutamine 1939 retained).
Molecular consequence: synonymous variant.
Genome position (GRCh38, 1-based): chr9:128,621,241, A>G. VCF-style: chr9-128621241-A-G. GRCh37 (hg19) VCF-style: chr9-131383520-A-G.
Other names: c.5742A>G, p.Gln1914= (NM_001195532.2); c.5817A>G, p.Gln1939= (NM_001363759.2, NM_001375310.1, NM_001375311.2 and 1 more transcripts); c.5757A>G, p.Gln1919= (NM_001363765.2, NM_001375314.2); c.5853A>G, p.Gln1951= (NM_001375312.2, NM_001375318.1); c.5802A>G, p.Gln1934= (NM_003127.4).
Identifiers: ClinVar variation 1135184 (VCV001135184.27), dbSNP rs578124150, ClinGen allele CA5265564.
Genomic context (GRCh38, chr9:128,621,241, plus strand): 5'-TTTTGAGACAGACTTCACCGTCCACAAGGATCGCGTGAATGATGTCTGCACCAATGGACA[A>G]GACCTCATTAAGAAGGTGAGTCCAGCCCATTGGTAAGACCTCCATCGCCCACTGGGACAC-3'
Protein context (NP_001123910.1, residues 1929-1949): DRVNDVCTNG[Gln1939=]DLIKKNNHHE